The following is an entry in ClinVar:

ClinVar aggregate classification (germline): Likely benign. Review status: criteria provided, multiple submitters, no conflicts (2 of 4 stars). 3 submissions from 3 submitters: Likely benign (2). 1 of the submissions does not count toward it. Last evaluated 2026-01-05.

Conditions:
CLPP-related disorder. Also called: CLPP-related condition.

Allele frequency attached by ClinVar (database versions not stated): gnomAD exomes below 0.00001; ExAC 0.00003; TOPMed 0.00004; gnomAD 0.00008 and 0.00009.
gnomAD v4.1: 28 of 1,605,462 alleles (0.0017%); highest among the groups gnomAD compares: Admixed American, 0.022%; 3 homozygotes.

Submissions (3):

Labcorp Genetics (formerly Invitae), Labcorp
Classification: Likely benign. Last evaluated: 2026-01-05. Review status: criteria provided, single submitter. Criteria: Invitae Variant Classification Sherloc (09022015). Collection method: clinical testing. Allele origin: germline.

Blueprint Genetics
Classification: Likely benign. Last evaluated: 2024-11-27. Review status: criteria provided, single submitter. Criteria: ACMG Guidelines, 2015. Collection method: clinical testing. Allele origin: germline.

PreventionGenetics, part of Exact Sciences
Classification: Likely benign for CLPP-related condition. Last evaluated: 2020-01-02. Review status: no assertion criteria provided. Collection method: clinical testing. Allele origin: germline. Not counted in ClinVar's aggregate classification.
Comment: This variant is classified as likely benign based on ACMG/AMP sequence variant interpretation guidelines (Richards et al. 2015 PMID: 25741868, with internal and published modifications).

NM_006012.4(CLPP):c.369T>C (p.Gly123=)

Gene: CLPP (caseinolytic mitochondrial matrix peptidase proteolytic subunit; plus strand). Cytogenetic location: 19p13.3.
Variant type: single nucleotide variant.
Coding change: c.369T>C on transcript NM_006012.4 (MANE Select); coding-DNA position 369, T replaced by C.
Protein change: p.Gly123=; no amino-acid change (glycine 123 retained).
Molecular consequence: synonymous variant.
Genome position (GRCh38, 1-based): chr19:6,364,453, T>C. VCF-style: chr19-6364453-T-C. GRCh37 (hg19) VCF-style: chr19-6364464-T-C.
Identifiers: ClinVar variation 723455 (VCV000723455.11), dbSNP rs750196166, ClinGen allele CA9122907.